The following is an entry in ClinVar:

NM_001330078.2(NRXN1):c.1868C>T (p.Ala623Val)

Gene: NRXN1 (neurexin 1; minus strand). Cytogenetic location: 2p16.3.
Variant type: single nucleotide variant.
Coding change: c.1868C>T on transcript NM_001330078.2 (MANE Select); coding-DNA position 1868, C replaced by T.
Protein change: p.Ala623Val; replaces alanine 623 with valine.
Molecular consequence: missense variant.
Genome position (GRCh38, 1-based): chr2:50,538,528, G>A on the plus strand (C>T on the coding strand, the complement: NRXN1 is on the minus strand). VCF-style: chr2-50538528-G-A. GRCh37 (hg19) VCF-style: chr2-50765666-G-A.
Other names: c.1988C>T, p.Ala663Val (NM_001135659.3); c.1844C>T, p.Ala615Val (NM_001330077.2, NM_001330082.2, NM_001330095.2); c.1829C>T, p.Ala610Val (NM_001330083.2, NM_001330084.2); c.1868C>T, p.Ala623Val (NM_001330085.2, NM_001330086.2, NM_004801.6); c.1784C>T, p.Ala595Val (NM_001330087.2, NM_001330096.2); c.1814C>T, p.Ala605Val (NM_001330088.2); c.1865C>T, p.Ala622Val (NM_001330093.2); c.1856C>T, p.Ala619Val (NM_001330094.2); short protein forms A595V, A622V, A610V, A615V, A663V, A605V, A619V, A623V.
Identifiers: ClinVar variation 3654620 (VCV003654620.2).

ClinVar aggregate classification (germline): Uncertain significance (1 of 4 stars; one submission).

Conditions:
Pitt-Hopkins-like syndrome 2 (PTHSL2). Identifiers: Orphanet 221150, Orphanet 600663, MedGen C3280479, MONDO:0013690, OMIM 614325.

Submission:

Labcorp Genetics (formerly Invitae), Labcorp
Classification: Uncertain significance for Pitt-Hopkins-like syndrome 2. Last evaluated: 2024-05-26. Review status: criteria provided, single submitter. Criteria: Invitae Variant Classification Sherloc (09022015). Collection method: clinical testing. Allele origin: germline.
Comment: This sequence change replaces alanine, which is neutral and non-polar, with valine, which is neutral and non-polar, at codon 663 of the NRXN1 protein (p.Ala663Val). This variant is not present in population databases (gnomAD no frequency). This variant has not been reported in the literature in individuals affected with NRXN1-related conditions. An algorithm developed to predict the effect of missense changes on protein structure and function (PolyPhen-2) suggests that this variant is likely to be tolerated. In summary, the available evidence is currently insufficient to determine the role of this variant in disease. Therefore, it has been classified as a Variant of Uncertain Significance.